The following is an entry in ClinVar:

ClinVar aggregate classification (germline): Uncertain significance (1 of 4 stars; one submission).

Conditions:
Desmin-related myofibrillar myopathy (MFM1). Also called: Desminopathy; Desmin related myopathy (former name); Desmin storage myopathy (former name); Myofibrillar myopathy 1; MYOFIBRILLAR MYOPATHY WITH ARRHYTHMOGENIC RIGHT VENTRICULAR CARDIOMYOPATHY; DESMIN-RELATED MYOPATHY WITH ARRHYTHMOGENIC RIGHT VENTRICULAR CARDIOMYOPATHY. Identifiers: Orphanet 363543, Orphanet 98909, MedGen C1832370, MONDO:0011076, OMIM 601419.

gnomAD v4.1: 1 of 1,613,794 alleles (0.000062%); no homozygotes.

Submission:

Labcorp Genetics (formerly Invitae), Labcorp
Classification: Uncertain significance for Desmin-related myofibrillar myopathy. Last evaluated: 2025-03-09. Review status: criteria provided, single submitter. Criteria: Invitae Variant Classification Sherloc (09022015). Collection method: clinical testing. Allele origin: germline.
Comment: This sequence change replaces asparagine, which is neutral and polar, with histidine, which is basic and polar, at codon 308 of the DES protein (p.Asn308His). This variant is present in population databases (no rsID available, gnomAD no frequency). This variant has not been reported in the literature in individuals affected with DES-related conditions. Invitae Evidence Modeling of protein sequence and biophysical properties (such as structural, functional, and spatial information, amino acid conservation, physicochemical variation, residue mobility, and thermodynamic stability) has been performed for this missense variant. However, the output from this modeling did not meet the statistical confidence thresholds required to predict the impact of this variant on DES protein function. In summary, the available evidence is currently insufficient to determine the role of this variant in disease. Therefore, it has been classified as a Variant of Uncertain Significance.

NM_001927.4(DES):c.922A>C (p.Asn308His)

Gene: DES (desmin; plus strand). Cytogenetic location: 2q35.
Variant type: single nucleotide variant.
Coding change: c.922A>C on transcript NM_001927.4 (MANE Select); coding-DNA position 922, A replaced by C.
Protein change: p.Asn308His; replaces asparagine 308 with histidine.
Molecular consequence: missense variant. On other transcripts: intron variant (1).
Genome position (GRCh38, 1-based): chr2:219,420,852, A>C. VCF-style: chr2-219420852-A-C. GRCh37 (hg19) VCF-style: chr2-220285574-A-C.
Other names: c.919A>C, p.Asn307His (NM_001382708.1); c.922A>C, p.Asn308His (NM_001382710.1, NM_001382711.1, NM_001382712.1); c.652A>C, p.Asn218His (NM_001382713.1); c.735+506A>C (NM_001382709.1); short protein forms N218H, N307H, N308H.
Identifiers: ClinVar variation 4789066 (VCV004789066.1).